The following is an entry in ClinVar:

ClinVar aggregate classification (germline): Likely benign (1 of 4 stars; one submission).

Submission:

GeneDx
Classification: Likely benign. Last evaluated: 2020-02-13. Review status: criteria provided, single submitter. Criteria: GeneDx Variant Classification Process June 2021. Collection method: clinical testing. Allele origin: germline. Affected: yes.
Comment: See Variant Classification Assertion Criteria.

NM_004523.4(KIF11):c.2548-90_2548-89insAAAAAAAAAAAAAAAAA

Gene: KIF11 (kinesin family member 11; plus strand). Cytogenetic location: 10q23.33.
Variant type: Insertion.
Coding change: c.2548-90_2548-89insAAAAAAAAAAAAAAAAA on transcript NM_004523.4 (MANE Select); 90 bases into the intron before coding-DNA position 2548 through 89 bases into the intron before coding-DNA position 2548, AAAAAAAAAAAAAAAAA inserted.
Molecular consequence: intron variant.
Genome position: GRCh38 VCF-style: chr10-92648108-C-CAAAAAAAAAAAAAAAAA. GRCh37 (hg19) VCF-style: chr10-94407865-C-CAAAAAAAAAAAAAAAAA.
Identifiers: ClinVar variation 1706763 (VCV001706763.2), dbSNP rs34357393, ClinGen allele CA595505997.